The following is an entry in ClinVar:

NM_020436.5(SALL4):c.2848_2849delinsAA (p.Ser950Lys)

Gene: SALL4 (spalt like transcription factor 4; minus strand). Cytogenetic location: 20q13.2.
Variant type: Indel.
Coding change: c.2848_2849delinsAA on transcript NM_020436.5 (MANE Select); coding-DNA positions 2848 to 2849, TC replaced by AA.
Protein change: p.Ser950Lys; replaces serine 950 with lysine.
Molecular consequence: missense variant.
Genome position (GRCh38, 1-based): chr20:51,784,578-51,784,579, GA replaced by TT on the plus strand (TC replaced by AA on the coding strand, the reverse complement: SALL4 is on the minus strand). VCF-style: chr20-51784578-GA-TT. GRCh37 (hg19) VCF-style: chr20-50401117-GA-TT.
Other names: c.2848_2849delTCinsAA (LRG_675t1); c.1537_1538delinsAA, p.Ser513Lys (NM_001318031.2); short protein forms S950K, S513K.
Identifiers: ClinVar variation 423567 (VCV000423567.1), dbSNP rs1064796498, ClinGen allele CA16620940.

ClinVar aggregate classification (germline): Uncertain significance (1 of 4 stars; one submission).

Submission:

GeneDx
Classification: Uncertain significance. Last evaluated: 2017-02-13. Review status: criteria provided, single submitter. Criteria: GeneDx Variant Classification (06012015). Collection method: clinical testing. Allele origin: germline. Affected: yes.
Comment: The c.2848_2849delTCinsAA variant in the SALL4 gene has not been reported previously as a pathogenic variant nor as a benign variant, to our knowledge. The c.2848_2849delTCinsAA variant causes an deletion of two nucleotides and the insertion of two aberrant nucleotides, resulting in the S950L missense change. The S950L variant is not observed in large population cohorts (Lek et al., 2016; 1000 Genomes Consortium et al., 2015; Exome Variant Server). The S950L variant is a semi-conservative amino acid substitution, which may impact secondary protein structure as these residues differ in some properties. However, this substitution occurs at a position that is not conserved across species, and in silico analysis predicts this variant likely does not alter the protein structure/function. We interpret c.2848_2849delTCinsAA as a variant of uncertain significance